The following is an entry in ClinVar:

ClinVar aggregate classification (germline): Benign (1 of 4 stars; one submission).

Allele frequency attached by ClinVar (database versions not stated): gnomAD exomes 0.06190; gnomAD 0.08376 and 0.08427; TOPMed 0.08421; 1000 Genomes Project 30x 0.11071; 1000 Genomes Project 0.11262.
gnomAD v4.1: 28,908 of 413,264 alleles (7%); highest among the groups gnomAD compares: African/African-American, 15%; 1,394 homozygotes.

Submission:

GeneDx
Classification: Benign. Last evaluated: 2018-06-14. Review status: criteria provided, single submitter. Criteria: GeneDx Variant Classification (06012015). Collection method: clinical testing. Allele origin: germline. Affected: yes.
Comment: This variant is considered likely benign or benign based on one or more of the following criteria: it is a conservative change, it occurs at a poorly conserved position in the protein, it is predicted to be benign by multiple in silico algorithms, and/or has population frequency not consistent with disease.

NM_017909.4(RMND1):c.504+244T>C

Gene: RMND1 (required for meiotic nuclear division 1 homolog; minus strand). Cytogenetic location: 6q25.1.
Variant type: single nucleotide variant.
Coding change: c.504+244T>C on transcript NM_017909.4 (MANE Select); 244 bases into the intron after coding-DNA position 504, T replaced by C.
Molecular consequence: intron variant.
Genome position (GRCh38, 1-based): chr6:151,445,064, A>G on the plus strand (T>C on the coding strand, the complement: RMND1 is on the minus strand). VCF-style: chr6-151445064-A-G. GRCh37 (hg19) VCF-style: chr6-151766199-A-G.
Other names: c.-7+6952T>C (NM_001271937.2).
Identifiers: ClinVar variation 683657 (VCV000683657.1), dbSNP rs3800280, ClinGen allele CA15426498.